The following is an entry in ClinVar:

NM_001394372.1(BICRA):c.4100C>A (p.Pro1367Gln)

Gene: BICRA (BRD4 interacting chromatin remodeling complex associated protein; plus strand). Cytogenetic location: 19q13.33.
Variant type: single nucleotide variant.
Coding change: c.4100C>A on transcript NM_001394372.1 (MANE Select); coding-DNA position 4100, C replaced by A.
Protein change: p.Pro1367Gln; replaces proline 1367 with glutamine.
Molecular consequence: missense variant.
Genome position (GRCh38, 1-based): chr19:47,701,832, C>A. VCF-style: chr19-47701832-C-A. GRCh37 (hg19) VCF-style: chr19-48205089-C-A.
Other names: c.4100C>A, p.Pro1367Gln (NM_015711.3); short protein forms P1367Q.
Identifiers: ClinVar variation 3040387 (VCV003040387.3), dbSNP rs371261338, ClinGen allele CA309195997.

ClinVar aggregate classification (germline): Likely benign. Review status: criteria provided, single submitter (1 of 4 stars). 2 submissions from 2 submitters: Likely benign (1). 1 of the submissions does not count toward it. Last evaluated 2022-09-19.

Conditions:
BICRA-related disorder. Also called: BICRA-related condition.

Allele frequency attached by ClinVar (database versions not stated): 1000 Genomes Project 30x 0.00016.
gnomAD v4.1: 83 of 1,523,966 alleles (0.0054%); highest among the groups gnomAD compares: East Asian, 0.068%; no homozygotes.

Submissions (2):

Ambry Genetics
Classification: Likely benign. Last evaluated: 2022-09-19. Review status: criteria provided, single submitter. Criteria: Ambry Variant Classification Scheme 2023. Collection method: clinical testing. Allele origin: germline.

PreventionGenetics, part of Exact Sciences
Classification: Likely benign for BICRA-related condition. Last evaluated: 2023-06-08. Review status: no assertion criteria provided. Collection method: clinical testing. Allele origin: germline. Not counted in ClinVar's aggregate classification.
Comment: This variant is classified as likely benign based on ACMG/AMP sequence variant interpretation guidelines (Richards et al. 2015 PMID: 25741868, with internal and published modifications).